The following is an entry in ClinVar:

ClinVar aggregate classification (germline): Uncertain significance (1 of 4 stars; one submission).

Conditions:
Arrhythmogenic right ventricular dysplasia 10. Also called: Arrhythmogenic Right Ventricular Dysplasia/Cardiomyopathy10; ARRHYTHMOGENIC RIGHT VENTRICULAR DYSPLASIA, FAMILIAL, 10; Arrhythmogenic right ventricular dysplasia/cardiomyopathy, type 10. Identifiers: MedGen C1857777, MONDO:0012434, OMIM 610193.

Submission:

Labcorp Genetics (formerly Invitae), Labcorp
Classification: Uncertain significance for Arrhythmogenic right ventricular dysplasia 10. Last evaluated: 2024-10-07. Review status: criteria provided, single submitter. Criteria: Invitae Variant Classification Sherloc (09022015). Collection method: clinical testing. Allele origin: germline.
Comment: This sequence change replaces glutamic acid, which is acidic and polar, with lysine, which is basic and polar, at codon 79 of the DSG2 protein (p.Glu79Lys). This variant is not present in population databases (gnomAD no frequency). This variant has not been reported in the literature in individuals affected with DSG2-related conditions. Invitae Evidence Modeling of protein sequence and biophysical properties (such as structural, functional, and spatial information, amino acid conservation, physicochemical variation, residue mobility, and thermodynamic stability) indicates that this missense variant is not expected to disrupt DSG2 protein function with a negative predictive value of 95%. In summary, the available evidence is currently insufficient to determine the role of this variant in disease. Therefore, it has been classified as a Variant of Uncertain Significance.

NM_001943.5(DSG2):c.235G>A (p.Glu79Lys)

Gene: DSG2 (desmoglein 2; plus strand). Cytogenetic location: 18q12.1.
Variant type: single nucleotide variant.
Coding change: c.235G>A on transcript NM_001943.5 (MANE Select); coding-DNA position 235, G replaced by A.
Protein change: p.Glu79Lys; replaces glutamic acid 79 with lysine.
Molecular consequence: missense variant.
Genome position (GRCh38, 1-based): chr18:31,520,821, G>A. VCF-style: chr18-31520821-G-A. GRCh37 (hg19) VCF-style: chr18-29100784-G-A.
Other names: short protein forms E79K.
Identifiers: ClinVar variation 2783713 (VCV002783713.3), dbSNP rs2510910785, ClinGen allele CA402131231.